The following is an entry in ClinVar:

NM_000094.4(COL7A1):c.3504del (p.Pro1168_Leu1169insTer)

Gene: COL7A1 (collagen type VII alpha 1 chain; minus strand). Cytogenetic location: 3p21.31.
Variant type: Deletion.
Coding change: c.3504del on transcript NM_000094.4 (MANE Select); coding-DNA position 3504, one base deleted (C; older notation c.3504delC).
Protein change: p.Pro1168_Leu1169insTer.
Molecular consequence: frameshift variant.
Genome position (GRCh38, 1-based): chr3:48,586,378, G deleted on the plus strand (C on the coding strand, the reverse complement: COL7A1 is on the minus strand); the first of 3 consecutive G bases (chr3:48,586,378-48,586,380); deleting any one gives the same sequence. VCF-style (leftmost placement, unchanged base first): chr3-48586377-AG-A. GRCh37 (hg19) VCF-style: chr3-48623810-AG-A.
Other names: c.3504delC (NM_000094.3).
Identifiers: ClinVar variation 180696 (VCV000180696.2), dbSNP rs730880286, ClinGen allele CA273744.

ClinVar aggregate classification (germline): Likely pathogenic (0 of 4 stars; one submission).

Conditions:
Recessive dystrophic epidermolysis bullosa (RDEB). Also called: severe generalized recessive dystrophic epidermolysis bullosa; Recessive DEB (RDEB); EPIDERMOLYSIS BULLOSA DYSTROPHICA, GENERALIZED SEVERE, AUTOSOMAL RECESSIVE; DYSTROPHIC EPIDERMOLYSIS BULLOSA, AUTOSOMAL RECESSIVE; EPIDERMOLYSIS BULLOSA DYSTROPHICA, HALLOPEAU-SIEMENS TYPE; Hallopeau-Siemens Disease. Identifiers: Orphanet 79408, Orphanet 79409, MedGen C0079474, MONDO:0009179, OMIM 226600.

Submission:

Strand Center for Genomics and Personalized Medicine, Strand Life Sciences Pvt Ltd
Classification: Likely pathogenic for Recessive dystrophic epidermolysis bullosa. Last evaluated: 2014-06-05. Review status: no assertion criteria provided. Collection method: clinical testing. Allele origin: germline. Affected: yes and no. Observed: 2 variant alleles, 1 heterozygote, 1 compound heterozygote.
Comment: This change causes a deletion leading to a frameshift and consequent truncation after one amino acid in the protein (p.Leu1169TerfsTer1) resulting protein a of 1168 amino acid length. The effect of premature truncation is predicted to cause a complete loss of NC-2 domain and a partial loss of NC-1 domain both of which are reported to affect the processing of collagen VII (PMID: 2443495).